The following is an entry in ClinVar:

NM_001142800.2(EYS):c.361del (p.Glu121fs)

Gene: EYS (EGF-like photoreceptor maintenance factor; minus strand). Cytogenetic location: 6q12.
Variant type: Deletion.
Coding change: c.361del on transcript NM_001142800.2 (MANE Select); coding-DNA position 361, one base deleted (G; older notation c.361delG).
Protein change: p.Glu121fs; shifts the reading frame from glutamic acid 121.
Molecular consequence: frameshift variant.
Genome position (GRCh38, 1-based): chr6:65,495,050, C deleted on the plus strand (G on the coding strand, the reverse complement: EYS is on the minus strand); the first of 2 consecutive C bases (chr6:65,495,050-65,495,051); deleting either gives the same sequence. VCF-style (leftmost placement, unchanged base first): chr6-65495049-TC-T. GRCh37 (hg19) VCF-style: chr6-66204942-TC-T.
Other names: c.361delG (NM_001142800.1); c.361del, p.Glu121fs (NM_001142801.2, NM_001292009.2, NM_198283.2); short protein forms E121fs.
Identifiers: ClinVar variation 659823 (VCV000659823.8), dbSNP rs1582376560, ClinGen allele CA915944326.

ClinVar aggregate classification (germline): Pathogenic (1 of 4 stars; one submission).

Submission:

Labcorp Genetics (formerly Invitae), Labcorp
Classification: Pathogenic. Last evaluated: 2019-11-21. Review status: criteria provided, single submitter. Criteria: Invitae Variant Classification Sherloc (09022015). Collection method: clinical testing. Allele origin: germline.
Comment: This sequence change creates a premature translational stop signal (p.Glu121Lysfs*10) in the EYS gene. It is expected to result in an absent or disrupted protein product. This variant is not present in population databases (ExAC no frequency). For these reasons, this variant has been classified as Pathogenic. Loss-of-function variants in EYS are known to be pathogenic (PMID: 18836446, 20333770). This variant has not been reported in the literature in individuals with EYS-related conditions.

Literature cited by the submitters: PubMed 18836446; PubMed 20333770.